The following is an entry in ClinVar:

ClinVar aggregate classification (germline): Uncertain significance (1 of 4 stars; one submission).

Conditions:
Vitamin B2 deficiency. Identifiers: MedGen C0035528.

Submission:

Labcorp Genetics (formerly Invitae), Labcorp
Classification: Uncertain significance for Vitamin B2 deficiency. Last evaluated: 2025-05-08. Review status: criteria provided, single submitter. Criteria: Invitae Variant Classification Sherloc (09022015). Collection method: clinical testing. Allele origin: germline.
Comment: This sequence change replaces valine, which is neutral and non-polar, with methionine, which is neutral and non-polar, at codon 435 of the SLC52A1 protein (p.Val435Met). This variant is present in population databases (rs745992734, gnomAD 0.005%). This variant has not been reported in the literature in individuals affected with SLC52A1-related conditions. An algorithm developed to predict the effect of missense changes on protein structure and function (PolyPhen-2) suggests that this variant is likely to be tolerated. In summary, the available evidence is currently insufficient to determine the role of this variant in disease. Therefore, it has been classified as a Variant of Uncertain Significance.

NM_017986.4(SLC52A1):c.1303G>A (p.Val435Met)

Gene: SLC52A1 (solute carrier family 52 member 1; minus strand). Cytogenetic location: 17p13.2.
Variant type: single nucleotide variant.
Coding change: c.1303G>A on transcript NM_017986.4 (MANE Select); coding-DNA position 1303, G replaced by A.
Protein change: p.Val435Met; replaces valine 435 with methionine.
Molecular consequence: missense variant.
Genome position (GRCh38, 1-based): chr17:5,033,001, C>T on the plus strand (G>A on the coding strand, the complement: SLC52A1 is on the minus strand). VCF-style: chr17-5033001-C-T. GRCh37 (hg19) VCF-style: chr17-4936296-C-T.
Other names: c.1303G>A, p.Val435Met (NM_001104577.2); short protein forms V435M.
Identifiers: ClinVar variation 4699359 (VCV004699359.1).